The following is an entry in ClinVar:

ClinVar aggregate classification (germline): Pathogenic (1 of 4 stars; one submission).

Submission:

Labcorp Genetics (formerly Invitae), Labcorp
Classification: Pathogenic. Last evaluated: 2022-07-25. Review status: criteria provided, single submitter. Criteria: Invitae Variant Classification Sherloc (09022015). Collection method: clinical testing. Allele origin: germline.
Comment: For these reasons, this variant has been classified as Pathogenic. This variant has not been reported in the literature in individuals affected with TENM3-related conditions. A gross deletion of the genomic region encompassing the full coding sequence of the TENM3 gene has been identified. Loss-of-function variants in TENM3 are known to be pathogenic (PMID: 22766609, 27103084, 30513139). The boundaries of this event are unknown as they extend beyond the assayed region for this gene and therefore may encompass additional genes.

Literature cited by the submitters: PubMed 22766609; PubMed 27103084; PubMed 30513139.

NC_000004.11:g.(?_183245174)_(184633797_?)del

Genes: CDKN2AIP (CDKN2A interacting protein; plus strand), CLDN22 (claudin 22; minus strand), CLDN24 (claudin 24; minus strand), DCTD (dCMP deaminase; minus strand), ING2 (inhibitor of growth family member 2; plus strand) and 4 more. Cytogenetic location: 4q35.1.
Variant type: Deletion.
Identifiers: ClinVar variation 2423656 (VCV002423656.4).